The following is an entry in ClinVar:

NM_001197104.2(KMT2A):c.6319G>A (p.Glu2107Lys)

Gene: KMT2A (lysine methyltransferase 2A; plus strand). Cytogenetic location: 11q23.3.
Variant type: single nucleotide variant.
Coding change: c.6319G>A on transcript NM_001197104.2 (MANE Select); coding-DNA position 6319, G replaced by A.
Protein change: p.Glu2107Lys; replaces glutamic acid 2107 with lysine.
Molecular consequence: missense variant.
Genome position (GRCh38, 1-based): chr11:118,501,147, G>A. VCF-style: chr11-118501147-G-A. GRCh37 (hg19) VCF-style: chr11-118371862-G-A.
Other names: c.6310G>A, p.Glu2104Lys (NM_005933.4); short protein forms E2104K, E2107K.
Identifiers: ClinVar variation 1370962 (VCV001370962.6), dbSNP rs2134379100, ClinGen allele CA382801365.

ClinVar aggregate classification (germline): Uncertain significance (1 of 4 stars; one submission).

Submission:

Labcorp Genetics (formerly Invitae), Labcorp
Classification: Uncertain significance. Last evaluated: 2022-08-16. Review status: criteria provided, single submitter. Criteria: Invitae Variant Classification Sherloc (09022015). Collection method: clinical testing. Allele origin: germline.
Comment: This sequence change replaces glutamic acid, which is acidic and polar, with lysine, which is basic and polar, at codon 2107 of the KMT2A protein (p.Glu2107Lys). This variant also falls at the last nucleotide of exon 25, which is part of the consensus splice site for this exon. This variant is not present in population databases (gnomAD no frequency). This variant has not been reported in the literature in individuals affected with KMT2A-related conditions. ClinVar contains an entry for this variant (Variation ID: 1370962). Algorithms developed to predict the effect of missense changes on protein structure and function (SIFT, PolyPhen-2, Align-GVGD) all suggest that this variant is likely to be tolerated. Variants that disrupt the consensus splice site are a relatively common cause of aberrant splicing (PMID: 17576681, 9536098). Algorithms developed to predict the effect of sequence changes on RNA splicing suggest that this variant may disrupt the consensus splice site. In summary, the available evidence is currently insufficient to determine the role of this variant in disease. Therefore, it has been classified as a Variant of Uncertain Significance.

Literature cited by the submitters: PubMed 17576681; PubMed 9536098.